The following is an entry in ClinVar:

ClinVar aggregate classification (germline): Likely benign. Review status: criteria provided, multiple submitters, no conflicts (2 of 4 stars). 5 submissions from 5 submitters: Likely benign (3). 2 of the submissions do not count toward it. Last evaluated 2025-07-14.

Conditions:
CDH23-related disorder. Also called: CDH23-related condition; CDH23-related disorders.

Allele frequency attached by ClinVar (database versions not stated): gnomAD 0.00001 and 0.00007; TOPMed 0.00001; gnomAD exomes 0.00015 and 0.00033; ExAC 0.00036.
gnomAD v4.1: 234 of 1,613,894 alleles (0.014%); highest among the groups gnomAD compares: South Asian, 0.23%; 3 homozygotes.

Submissions (5):

Labcorp Genetics (formerly Invitae), Labcorp
Classification: Likely benign. Last evaluated: 2025-07-14. Review status: criteria provided, single submitter. Criteria: Invitae Variant Classification Sherloc (09022015). Collection method: clinical testing. Allele origin: germline.

PreventionGenetics, part of Exact Sciences
Classification: Likely benign for CDH23-related condition. Last evaluated: 2025-05-15. Review status: criteria provided, single submitter. Criteria: ACMG Guidelines, 2015. Collection method: clinical testing. Allele origin: germline.
Comment: This variant is classified as likely benign based on ACMG/AMP sequence variant interpretation guidelines (Richards et al. 2015 PMID: 25741868, with internal and published modifications).

Blueprint Genetics
Classification: Likely benign. Last evaluated: 2024-11-18. Review status: criteria provided, single submitter. Criteria: ACMG Guidelines, 2015. Collection method: clinical testing. Allele origin: germline.

Clinical Genetics DNA and cytogenetics Diagnostics Lab, Erasmus MC, Erasmus Medical Center
Classification: Uncertain significance. Review status: no assertion criteria provided. Collection method: clinical testing. Allele origin: germline. Affected: yes. Study: VKGL Data-share Consensus. Not counted in ClinVar's aggregate classification.

Clinical Genetics, Academic Medical Center
Classification: Uncertain significance. Review status: no assertion criteria provided. Collection method: clinical testing. Allele origin: germline. Affected: yes. Study: VKGL Data-share Consensus. Not counted in ClinVar's aggregate classification.

NM_022124.6(CDH23):c.1090G>A (p.Gly364Ser)

Gene: CDH23 (cadherin related 23; plus strand). Cytogenetic location: 10q22.1.
Variant type: single nucleotide variant.
Coding change: c.1090G>A on transcript NM_022124.6 (MANE Select); coding-DNA position 1090, G replaced by A.
Protein change: p.Gly364Ser; replaces glycine 364 with serine.
Molecular consequence: missense variant.
Genome position (GRCh38, 1-based): chr10:71,617,349, G>A. VCF-style: chr10-71617349-G-A. GRCh37 (hg19) VCF-style: chr10-73377106-G-A.
Other names: c.1090G>A, p.Gly364Ser (NM_001171930.2, NM_001171931.2, NM_001171932.2 and 1 more transcripts); short protein forms G364S.
Identifiers: ClinVar variation 793283 (VCV000793283.15), dbSNP rs767750411, ClinGen allele CA5543636.